The following is an entry in ClinVar:

NM_016252.4(BIRC6):c.4940A>G (p.Gln1647Arg)

Gene: BIRC6 (baculoviral IAP repeat containing 6; plus strand). Cytogenetic location: 2p22.3.
Variant type: single nucleotide variant.
Coding change: c.4940A>G on transcript NM_016252.4 (MANE Select); coding-DNA position 4940, A replaced by G.
Protein change: p.Gln1647Arg; replaces glutamine 1647 with arginine.
Molecular consequence: missense variant.
Genome position (GRCh38, 1-based): chr2:32,463,380, A>G. VCF-style: chr2-32463380-A-G. GRCh37 (hg19) VCF-style: chr2-32688448-A-G.
Other names: c.4910A>G, p.Gln1637Arg (NM_001378125.1); short protein forms Q1637R, Q1647R.
Identifiers: ClinVar variation 2650813 (VCV002650813.24), dbSNP rs2471077138, ClinGen allele CA346538473.
Genomic context (GRCh38, chr2:32,463,380, plus strand): 5'-CCGAGCAACAGCTACAGGTGCTGCAAGAGAAACAGCAGCAGCTTTTGAAGCTTCAGCAAC[A>G]GGTTGGAGACTATTTGGCTCTTTGTTCATGCTGTCTCTAAACTTCAAAAGCTGAAAAAGT-3'
Protein context (NP_057336.3, residues 1637-1657): KQQQLLKLQQ[Gln1647Arg]KAKLEAKLHQ

ClinVar aggregate classification (germline): Uncertain significance (1 of 4 stars; one submission).

Submission:

CeGaT Center for Human Genetics Tuebingen
Classification: Uncertain significance. Last evaluated: 2023-10-01. Review status: criteria provided, single submitter. Criteria: CeGaT Center For Human Genetics Tuebingen Variant Classification Criteria Version 2. Collection method: clinical testing. Allele origin: germline. Affected: yes. Observed: 1 variant allele.
Comment: BIRC6: PM2, PP3